The following is an entry in ClinVar:

NM_004667.6(HERC2):c.1014G>A (p.Leu338=)

Gene: HERC2 (HECT and RLD domain containing E3 ubiquitin protein ligase 2; minus strand). Cytogenetic location: 15q13.1.
Variant type: single nucleotide variant.
Coding change: c.1014G>A on transcript NM_004667.6 (MANE Select); coding-DNA position 1014, G replaced by A.
Protein change: p.Leu338=; no amino-acid change (leucine 338 retained).
Molecular consequence: synonymous variant.
Genome position (GRCh38, 1-based): chr15:28,272,284, C>T on the plus strand (G>A on the coding strand, the complement: HERC2 is on the minus strand). VCF-style: chr15-28272284-C-T. GRCh37 (hg19) VCF-style: chr15-28517430-C-T.
Identifiers: ClinVar variation 3030021 (VCV003030021.2), dbSNP rs755297524, ClinGen allele CA267947236.

ClinVar aggregate classification (germline): Likely benign (0 of 4 stars; one submission).

Conditions:
HERC2-related disorder. Also called: HERC2-related condition.

Allele frequency attached by ClinVar (database versions not stated): ExAC 0.00002.

Submission:

PreventionGenetics, part of Exact Sciences
Classification: Likely benign for HERC2-related condition. Last evaluated: 2022-08-23. Review status: no assertion criteria provided. Collection method: clinical testing. Allele origin: germline.
Comment: This variant is classified as likely benign based on ACMG/AMP sequence variant interpretation guidelines (Richards et al. 2015 PMID: 25741868, with internal and published modifications).